The following is an entry in ClinVar:

ClinVar aggregate classification (germline): Uncertain significance. Review status: criteria provided, multiple submitters, no conflicts (2 of 4 stars). 2 submissions from 2 submitters: Uncertain significance (2). Last evaluated 2024-10-28.

Conditions:
Episodic ataxia type 1 (EA1). Also called: ATAXIA, EPISODIC, WITH MYOKYMIA; MYOKYMIA WITH PERIODIC ATAXIA; PAROXYSMAL ATAXIA WITH NEUROMYOTONIA, HEREDITARY; Episodic ataxia/myokymia syndrome. Identifiers: Orphanet 37612, Orphanet 972, MedGen C1719788, MONDO:0008047, OMIM 160120.

Submissions (2):

Labcorp Genetics (formerly Invitae), Labcorp
Classification: Uncertain significance for Episodic ataxia type 1. Last evaluated: 2024-10-28. Review status: criteria provided, single submitter. Criteria: Invitae Variant Classification Sherloc (09022015). Collection method: clinical testing. Allele origin: germline.
Comment: This sequence change replaces phenylalanine, which is neutral and non-polar, with leucine, which is neutral and non-polar, at codon 234 of the KCNA1 protein (p.Phe234Leu). This variant is present in population databases (rs755621934, gnomAD 0.0009%). This variant has not been reported in the literature in individuals affected with KCNA1-related conditions. ClinVar contains an entry for this variant (Variation ID: 1317352). Invitae Evidence Modeling of protein sequence and biophysical properties (such as structural, functional, and spatial information, amino acid conservation, physicochemical variation, residue mobility, and thermodynamic stability) has been performed for this missense variant. However, the output from this modeling did not meet the statistical confidence thresholds required to predict the impact of this variant on KCNA1 protein function. In summary, the available evidence is currently insufficient to determine the role of this variant in disease. Therefore, it has been classified as a Variant of Uncertain Significance.

GeneDx
Classification: Uncertain significance. Last evaluated: 2021-06-04. Review status: criteria provided, single submitter. Criteria: GeneDx Variant Classification Process June 2021. Collection method: clinical testing. Allele origin: germline. Affected: yes.
Comment: Not observed at significant frequency in large population cohorts (Lek et al., 2016); In silico analysis, which includes protein predictors and evolutionary conservation, supports a deleterious effect; Has not been previously published as pathogenic or benign to our knowledge; This variant is associated with the following publications: (PMID: 27535533)

NM_000217.3(KCNA1):c.702C>A (p.Phe234Leu)

Gene: KCNA1 (potassium voltage-gated channel subfamily A member 1; plus strand). Cytogenetic location: 12p13.32.
Variant type: single nucleotide variant.
Coding change: c.702C>A on transcript NM_000217.3 (MANE Select); coding-DNA position 702, C replaced by A.
Protein change: p.Phe234Leu; replaces phenylalanine 234 with leucine.
Molecular consequence: missense variant.
Genome position (GRCh38, 1-based): chr12:4,912,080, C>A. VCF-style: chr12-4912080-C-A. GRCh37 (hg19) VCF-style: chr12-5021246-C-A.
Other names: short protein forms F234L.
Identifiers: ClinVar variation 1317352 (VCV001317352.9), dbSNP rs755621934, ClinGen allele CA6399420.